The following is an entry in ClinVar:

ClinVar aggregate classification (germline): Likely benign. Review status: criteria provided, multiple submitters, no conflicts (2 of 4 stars). 2 submissions from 2 submitters: Likely benign (2). Last evaluated 2018-06-14.

Allele frequency attached by ClinVar (database versions not stated): gnomAD exomes 0.00141 and 0.00355; ExAC 0.00392; 1000 Genomes Project 0.00699; 1000 Genomes Project 30x 0.00718; ESP Exome Variant Server 0.00785; gnomAD 0.00828 and 0.00899; TOPMed 0.00985.
gnomAD v4.1: 3,215 of 1,469,698 alleles (0.22%); highest among the groups gnomAD compares: African/African-American, 2.6%; 37 homozygotes.

Submissions (2):

GeneDx
Classification: Likely benign. Last evaluated: 2018-06-14. Review status: criteria provided, single submitter. Criteria: GeneDx Variant Classification (06012015). Collection method: clinical testing. Allele origin: germline. Affected: yes.
Comment: This variant is considered likely benign or benign based on one or more of the following criteria: it is a conservative change, it occurs at a poorly conserved position in the protein, it is predicted to be benign by multiple in silico algorithms, and/or has population frequency not consistent with disease.

Breakthrough Genomics
Classification: Likely benign. Review status: criteria provided, single submitter. Criteria: ACMG Guidelines, 2015. Collection method: not provided. Allele origin: germline. Inheritance: Autosomal recessive inheritance. Affected: yes.

NM_001267550.2(TTN):c.22817-42A>G

Gene: TTN (titin; minus strand). Cytogenetic location: 2q31.2.
Variant type: single nucleotide variant.
Coding change: c.22817-42A>G on transcript NM_001267550.2 (MANE Select); 42 bases into the intron before coding-DNA position 22817, A replaced by G.
Molecular consequence: intron variant.
Genome position (GRCh38, 1-based): chr2:178,721,244, T>C on the plus strand (A>G on the coding strand, the complement: TTN is on the minus strand). VCF-style: chr2-178721244-T-C. GRCh37 (hg19) VCF-style: chr2-179585971-T-C.
Other names: c.13282+16838A>G (NM_003319.4); c.13858+16838A>G (NM_133437.4); c.13657+16838A>G (NM_133432.3); c.19085-42A>G (NM_133378.4); c.21866-42A>G (NM_001256850.1).
Identifiers: ClinVar variation 675879 (VCV000675879.2), dbSNP rs147369023, ClinGen allele CA2000760.
Genomic context (GRCh38, chr2:178,721,244, plus strand): 5'-TTAACAAACTTTGGAGGTTCTAGTAAACCAAACAAAACAGTCAGTAAGGGATATTTATTA[T>C]ACATGTTAAAAGAGCTTGTTTTTGTAGCTGAAGATCCCATAAATTTATATTTAAACTGGT-3'